The following is an entry in ClinVar:

ClinVar aggregate classification (germline): Likely benign (1 of 4 stars; one submission).

gnomAD v4.1: 167 of 1,613,858 alleles (0.01%); highest among the groups gnomAD compares: East Asian, 0.19%; no homozygotes.

Submission:

CeGaT Center for Human Genetics Tuebingen
Classification: Likely benign. Last evaluated: 2026-07-01. Review status: criteria provided, single submitter. Criteria: CeGaT Center For Human Genetics Tuebingen Variant Classification Criteria Version 2. Collection method: clinical testing. Allele origin: germline. Affected: yes. Observed: 1 variant allele.
Comment: CAMK2A: BP4, BP7

NM_015981.4(CAMK2A):c.1455C>T (p.Ser485=)

Gene: CAMK2A (calcium/calmodulin dependent protein kinase II alpha; minus strand). Cytogenetic location: 5q32.
Variant type: single nucleotide variant.
Coding change: c.1455C>T on transcript NM_015981.4 (MANE Select); coding-DNA position 1455, C replaced by T.
Protein change: p.Ser485=; no amino-acid change (serine 485 retained).
Molecular consequence: synonymous variant.
Genome position (GRCh38, 1-based): chr5:150,223,000, G>A on the plus strand (C>T on the coding strand, the complement: CAMK2A is on the minus strand). VCF-style: chr5-150223000-G-A. GRCh37 (hg19) VCF-style: chr5-149602563-G-A.
Other names: c.1455C>T, p.Ser485= (NM_001363989.1); c.1422C>T, p.Ser474= (NM_001363990.1, NM_001369025.2, NM_171825.3).
Identifiers: ClinVar variation 5039194 (VCV005039194.1).